The following is an entry in ClinVar:

NM_172107.4(KCNQ2):c.-150C>A

Gene: KCNQ2 (potassium voltage-gated channel subfamily Q member 2; minus strand). Cytogenetic location: 20q13.33.
Variant type: single nucleotide variant.
Coding change: c.-150C>A on transcript NM_172107.4 (MANE Select); 150 bases upstream of the start codon, C replaced by A.
Molecular consequence: 5 prime UTR variant.
Genome position (GRCh38, 1-based): chr20:63,472,613, G>T on the plus strand (C>A on the coding strand, the complement: KCNQ2 is on the minus strand). VCF-style: chr20-63472613-G-T. GRCh37 (hg19) VCF-style: chr20-62103966-G-T.
Other names: c.-150C>A (NM_004518.6, NM_172106.3, NM_172108.5 and 1 more transcripts).
Identifiers: ClinVar variation 339342 (VCV000339342.3), dbSNP rs554261385, ClinGen allele CA10653374.
Genomic context (GRCh38, chr20:63,472,613, plus strand): 5'-GCCGGGAGCCGCATGGCCGAGGCGGCGGTTCCGCACTCCTGCCGGGCTTGGGCCGCGCGC[G>T]GAGACGCTGCGGCCACCTCGCTCCGCGCGCACCTCGGCGCCTGGCCCGCGGCCGCGCCGG-3'

ClinVar aggregate classification (germline): Likely benign. Review status: criteria provided, multiple submitters, no conflicts (2 of 4 stars). 2 submissions from 2 submitters: Likely benign (2). Last evaluated 2018-06-19.

Allele frequency attached by ClinVar (database versions not stated): 1000 Genomes Project 0.00719; 1000 Genomes Project 30x 0.00781; TOPMed 0.01251.
gnomAD v4.1: 7,625 of 517,222 alleles (1.5%); highest among the groups gnomAD compares: Admixed American, 2.2%; 77 homozygotes.

Submissions (2):

GeneDx
Classification: Likely benign. Last evaluated: 2018-06-19. Review status: criteria provided, single submitter. Criteria: GeneDx Variant Classification (06012015). Collection method: clinical testing. Allele origin: germline. Affected: yes.
Comment: This variant is considered likely benign or benign based on one or more of the following criteria: it is a conservative change, it occurs at a poorly conserved position in the protein, it is predicted to be benign by multiple in silico algorithms, and/or has population frequency not consistent with disease.

Breakthrough Genomics
Classification: Likely benign. Review status: criteria provided, single submitter. Criteria: ACMG Guidelines, 2015. Collection method: not provided. Allele origin: germline. Inheritance: Autosomal dominant inheritance. Affected: yes.